The following is an entry in ClinVar:

ClinVar aggregate classification (germline): Uncertain significance. Review status: criteria provided, multiple submitters, no conflicts (2 of 4 stars). 3 submissions from 3 submitters: Uncertain significance (3). Last evaluated 2025-07-02.

Conditions:
Hereditary cancer-predisposing syndrome. Also called: Tumor predisposition; Hereditary neoplastic syndrome; Neoplastic Syndromes, Hereditary; Hereditary Cancer Syndrome. Identifiers: Orphanet 140162, MedGen C0027672, MeSH D009386, MONDO:0015356.

Allele frequency attached by ClinVar (database versions not stated): gnomAD exomes below 0.00001; TOPMed below 0.00001.
gnomAD v4.1: 2 of 1,613,478 alleles (0.00012%); highest among the groups gnomAD compares: African/African-American, 0.0027%; no homozygotes.

Submissions (3):

Labcorp Genetics (formerly Invitae), Labcorp
Classification: Uncertain significance. Last evaluated: 2025-07-02. Review status: criteria provided, single submitter. Criteria: Invitae Variant Classification Sherloc (09022015). Collection method: clinical testing. Allele origin: germline.
Comment: This sequence change replaces alanine, which is neutral and non-polar, with valine, which is neutral and non-polar, at codon 29 of the HOXB13 protein (p.Ala29Val). This variant is present in population databases (no rsID available, gnomAD 0.007%). This variant has not been reported in the literature in individuals affected with HOXB13-related conditions. ClinVar contains an entry for this variant (Variation ID: 2061978). An algorithm developed to predict the effect of missense changes on protein structure and function outputs the following: PolyPhen-2: "Benign". The valine amino acid residue is found in multiple mammalian species, which suggests that this missense change does not adversely affect protein function. In summary, the available evidence is currently insufficient to determine the role of this variant in disease. Therefore, it has been classified as a Variant of Uncertain Significance.

Ambry Genetics
Classification: Uncertain significance for Hereditary cancer-predisposing syndrome. Last evaluated: 2024-03-06. Review status: criteria provided, single submitter. Criteria: Ambry Variant Classification Scheme 2023. Collection method: clinical testing. Allele origin: germline.
Comment: The p.A29V variant (also known as c.86C>T), located in coding exon 1 of the HOXB13 gene, results from a C to T substitution at nucleotide position 86. The alanine at codon 29 is replaced by valine, an amino acid with similar properties. This amino acid position is conserved. In addition, this alteration is predicted to be tolerated by in silico analysis. Based on the available evidence, the clinical significance of this alteration remains unclear.

Women's Health and Genetics/Laboratory Corporation of America, LabCorp
Classification: Uncertain significance. Last evaluated: 2023-01-30. Review status: criteria provided, single submitter. Criteria: LabCorp Variant Classification Summary - May 2015. Collection method: clinical testing. Allele origin: germline.
Comment: Variant summary: HOXB13 c.86C>T (p.Ala29Val) results in a non-conservative amino acid change located in the N-terminal domain (IPR022067) of the encoded protein sequence. Three of five in-silico tools predict a benign effect of the variant on protein function. The variant allele was found at a frequency of 4e-06 in 249432 control chromosomes. The available data on variant occurrences in the general population are insufficient to allow any conclusion about variant significance. To our knowledge, no occurrence of c.86C>T in individuals affected with Prostate Cancer and no experimental evidence demonstrating its impact on protein function have been reported. No clinical diagnostic laboratories have submitted clinical-significance assessments for this variant to ClinVar after 2014. Based on the evidence outlined above, the variant was classified as uncertain significance.

NM_006361.6(HOXB13):c.86C>T (p.Ala29Val)

Gene: HOXB13 (homeobox B13; minus strand). Cytogenetic location: 17q21.32.
Variant type: single nucleotide variant.
Coding change: c.86C>T on transcript NM_006361.6 (MANE Select); coding-DNA position 86, C replaced by T.
Protein change: p.Ala29Val; replaces alanine 29 with valine.
Molecular consequence: missense variant.
Genome position (GRCh38, 1-based): chr17:48,728,508, G>A on the plus strand (C>T on the coding strand, the complement: HOXB13 is on the minus strand). VCF-style: chr17-48728508-G-A. GRCh37 (hg19) VCF-style: chr17-46805870-G-A.
Other names: short protein forms A29V.
Identifiers: ClinVar variation 2061978 (VCV002061978.8), dbSNP rs1223082509, ClinGen allele CA400109486.